The following is an entry in ClinVar:

ClinVar aggregate classification (germline): Conflicting classifications of pathogenicity. Review status: criteria provided, conflicting classifications (1 of 4 stars). 3 submissions from 3 submitters: Uncertain significance (1); Likely benign (2). Last evaluated 2026-03-11.

Conditions:
LRP5-related disorder. Also called: LRP5-related condition.
Osteoporosis with pseudoglioma (OPPG). Also called: osteoporosis-pseudoglioma syndrome. Identifiers: Orphanet 2788, MedGen C0432252, MONDO:0009820, OMIM 259770.
Exudative vitreoretinopathy 1 (EVR1). Also called: CRISWICK-SCHEPENS SYNDROME; FEVR, AUTOSOMAL DOMINANT; Familial exudative vitreoretinopathy, autosomal dominant. Identifiers: Orphanet 891, Orphanet 90050, MedGen C1851402, MONDO:0007589, OMIM 133780.
Polycystic liver disease 4 with or without kidney cysts. Identifiers: MedGen C4693479, MONDO:0044327, OMIM 617875.
Autosomal dominant osteopetrosis 1 (OPTA1). Also called: OSTEOPETROSIS, AUTOSOMAL DOMINANT, TYPE I. Identifiers: Orphanet 2783, MedGen C1843330, MONDO:0011877, OMIM 607634.
Exudative vitreoretinopathy 4 (EVR4). Identifiers: Orphanet 891, MedGen C1866176, MONDO:0011151, OMIM 601813.
Worth disease. Also called: Autosomal dominant osteosclerosis, Worth type; ENDOSTEAL HYPEROSTOSIS, AUTOSOMAL DOMINANT; OSTEOSCLEROSIS, AUTOSOMAL DOMINANT. Identifiers: Orphanet 2790, MedGen C0432273, MONDO:0007764, OMIM 144750.
Bone mineral density quantitative trait locus 1 (BMND1). Identifiers: MedGen C1866079, OMIM 601884.
Osteoporosis. Identifiers: MedGen C0029456, MONDO:0005298, OMIM 166710, HP:0000939.

Allele frequency attached by ClinVar (database versions not stated): ExAC 0.00002; gnomAD exomes 0.00004; gnomAD 0.00005 and 0.00006; ESP Exome Variant Server 0.00008; TOPMed 0.00011.
gnomAD v4.1: 28 of 1,613,890 alleles (0.0017%); highest among the groups gnomAD compares: Admixed American, 0.012%; no homozygotes.

Submissions (3):

PreventionGenetics, part of Exact Sciences
Classification: Likely benign for LRP5-related condition. Last evaluated: 2026-03-11. Review status: criteria provided, single submitter. Criteria: ACMG Guidelines, 2015. Collection method: clinical testing. Allele origin: germline.
Comment: This variant is classified as likely benign based on ACMG/AMP sequence variant interpretation guidelines (Richards et al. 2015 PMID: 25741868, with internal and published modifications).

Labcorp Genetics (formerly Invitae), Labcorp
Classification: Likely benign. Last evaluated: 2025-12-15. Review status: criteria provided, single submitter. Criteria: Invitae Variant Classification Sherloc (09022015). Collection method: clinical testing. Allele origin: germline.

Fulgent Genetics
Classification: Uncertain significance for Exudative vitreoretinopathy 1; Worth disease; Osteoporosis; Osteoporosis with pseudoglioma; Exudative vitreoretinopathy 4; Bone mineral density quantitative trait locus 1; Autosomal dominant osteopetrosis 1; Polycystic liver disease 4 with or without kidney cysts. Last evaluated: 2021-10-15. Review status: criteria provided, single submitter. Criteria: ACMG Guidelines, 2015. Collection method: clinical testing. Allele origin: unknown.

NM_002335.4(LRP5):c.4566G>A (p.Pro1522=)

Gene: LRP5 (LDL receptor related protein 5; plus strand). Cytogenetic location: 11q13.2.
Variant type: single nucleotide variant.
Coding change: c.4566G>A on transcript NM_002335.4 (MANE Select); coding-DNA position 4566, G replaced by A.
Protein change: p.Pro1522=; no amino-acid change (proline 1522 retained).
Molecular consequence: synonymous variant.
Genome position (GRCh38, 1-based): chr11:68,446,513, G>A. VCF-style: chr11-68446513-G-A. GRCh37 (hg19) VCF-style: chr11-68213981-G-A.
Other names: c.2823G>A, p.Pro941= (NM_001291902.2); c.4566G>A (NM_002335.3).
Identifiers: ClinVar variation 1042717 (VCV001042717.9), dbSNP rs368178411, ClinGen allele CA6150425.
Genomic context (GRCh38, chr11:68,446,513, plus strand): 5'-CTCCCCGGCCACGGACCCCTCCCTGTACAACATGGACATGTTCTACTCTTCAAACATTCC[G>A]GCCACTGCGAGACCGTACAGGTAGGACATCCCCTGCAGCCCTCCATGGCCATTGGGTTCC-3'
Protein context (NP_002326.2, residues 1512-1532): NMDMFYSSNI[Pro1522=]ATARPYRPYI